The following is an entry in ClinVar:

NM_001953.5(TYMP):c.1325G>A (p.Arg442Gln)

Genes: SCO2 (synthesis of cytochrome C oxidase 2; minus strand), TYMP (thymidine phosphorylase; minus strand), LOC130067862 (ATAC-STARR-seq lymphoblastoid silent region 13986; plus strand). Cytogenetic location: 22q13.33.
Variant type: single nucleotide variant.
Coding change: c.1325G>A on transcript NM_001953.5 (MANE Select); coding-DNA position 1325, G replaced by A.
Protein change: p.Arg442Gln; replaces arginine 442 with glutamine.
Molecular consequence: missense variant. On other transcripts: intron variant (2).
Genome position (GRCh38, 1-based): chr22:50,525,894, C>T on the plus strand (G>A on the coding strand, the complement: TYMP is on the minus strand). VCF-style: chr22-50525894-C-T. GRCh37 (hg19) VCF-style: chr22-50964323-C-T.
Other names: c.1325G>A, p.Arg442Gln (NM_001113755.3, NM_001113756.3, NM_001257988.1); c.1340G>A, p.Arg447Gln (NM_001257989.1); c.-14+352G>A (NM_001169109.2); c.-14+107G>A (NM_001169110.1); short protein forms R442Q, R447Q.
Identifiers: ClinVar variation 1432203 (VCV001432203.8), dbSNP rs1175838598, ClinGen allele CA412196449.

ClinVar aggregate classification (germline): Uncertain significance (1 of 4 stars; one submission).

Allele frequency attached by ClinVar (database versions not stated): TOPMed below 0.00001; gnomAD 0.00001.

Submission:

Labcorp Genetics (formerly Invitae), Labcorp
Classification: Uncertain significance. Last evaluated: 2024-08-08. Review status: criteria provided, single submitter. Criteria: Invitae Variant Classification Sherloc (09022015). Collection method: clinical testing. Allele origin: germline.
Comment: This sequence change replaces arginine, which is basic and polar, with glutamine, which is neutral and polar, at codon 442 of the TYMP protein (p.Arg442Gln). This variant is not present in population databases (gnomAD no frequency). This variant has not been reported in the literature in individuals affected with TYMP-related conditions. ClinVar contains an entry for this variant (Variation ID: 1432203). Advanced modeling of protein sequence and biophysical properties (such as structural, functional, and spatial information, amino acid conservation, physicochemical variation, residue mobility, and thermodynamic stability) performed at Invitae indicates that this missense variant is not expected to disrupt TYMP protein function with a negative predictive value of 95%. In summary, the available evidence is currently insufficient to determine the role of this variant in disease. Therefore, it has been classified as a Variant of Uncertain Significance.